The following is an entry in ClinVar:

NM_001009944.3(PKD1):c.10594C>T (p.Gln3532Ter)

Genes: PKD1 (polycystin 1, transient receptor potential channel interacting; minus strand), PKD1-AS1 (PKD1 antisense RNA 1; plus strand). Cytogenetic location: 16p13.3.
Variant type: single nucleotide variant.
Coding change: c.10594C>T on transcript NM_001009944.3 (MANE Select); coding-DNA position 10594, C replaced by T.
Protein change: p.Gln3532Ter; replaces glutamine 3532 with a stop codon.
Molecular consequence: nonsense.
Genome position (GRCh38, 1-based): chr16:2,094,116, G>A on the plus strand (C>T on the coding strand, the complement: PKD1 is on the minus strand). VCF-style: chr16-2094116-G-A. GRCh37 (hg19) VCF-style: chr16-2144117-G-A.
Other names: c.10591C>T, p.Gln3531Ter (NM_000296.4); short protein forms Q3531*, Q3532*.
Identifiers: ClinVar variation 3899369 (VCV003899369.2).

ClinVar aggregate classification (germline): Pathogenic (1 of 4 stars; one submission).

Conditions:
Polycystic kidney disease, adult type (PKD1). Also called: POLYCYSTIC KIDNEY DISEASE 1 WITH OR WITHOUT POLYCYSTIC LIVER DISEASE; POLYCYSTIC KIDNEY DISEASE, ADULT, TYPE I; Polycystic Kidney Disease 1, Autosomal Dominant; Polycystic kidney disease 1; Polycystic kidney disease 1, severe; Polycystic Kidney, Autosomal Dominant. Identifiers: MedGen C3149841, MONDO:0008263, OMIM 173900.

Submission:

Juno Genomics, Hangzhou Juno Genomics, Inc
Classification: Pathogenic for Polycystic kidney disease, adult type. Review status: criteria provided, single submitter. Criteria: ACMG Guidelines, 2015. Collection method: clinical testing. Allele origin: germline. Affected: yes.
Comment: Absent from controls (or at extremely low frequency if recessive) in Genome Aggregation Database, Exome Sequencing Project, 1000 Genomes Project, or Exome Aggregation Consortium.;Null variant in a gene where loss of function (LOF) is a known mechanism of disease.;The prevalence of the variant in affected individuals is significantly increased compared to the prevalence in controls.;Patient's phenotype or family history is highly specific for a disease with a single genetic etiology.